The following is an entry in ClinVar:

NM_003482.4(KMT2D):c.303dup (p.Ser102fs)

Gene: KMT2D (lysine methyltransferase 2D; minus strand). Cytogenetic location: 12q13.12.
Variant type: Duplication.
Coding change: c.303dup on transcript NM_003482.4 (MANE Select); coding-DNA position 303, one base duplicated (G; older notation c.303dupG).
Protein change: p.Ser102fs; shifts the reading frame from serine 102.
Molecular consequence: frameshift variant.
Genome position (GRCh38, 1-based): chr12:49,054,625, C duplicated on the plus strand (G on the coding strand, the reverse complement: KMT2D is on the minus strand); the first of 6 consecutive C bases (chr12:49,054,625-49,054,630); duplicating any one gives the same sequence. VCF-style (leftmost placement, unchanged base first): chr12-49054624-T-TC. GRCh37 (hg19) VCF-style: chr12-49448407-T-TC.
Other names: c.303dupG (NM_003482.3); short protein forms S102fs.
Identifiers: ClinVar variation 450365 (VCV000450365.6), dbSNP rs797045661, ClinGen allele CA658658153.

ClinVar aggregate classification (germline): Pathogenic. Review status: criteria provided, multiple submitters, no conflicts (2 of 4 stars). 2 submissions from 2 submitters: Pathogenic (2). Last evaluated 2022-09-23.

Conditions:
Kabuki syndrome. Also called: Kabuki make-up syndrome; NIIKAWA-KUROKI SYNDROME. Identifiers: Orphanet 2322, MedGen C0796004, MONDO:0016512.

Submissions (2):

Labcorp Genetics (formerly Invitae), Labcorp
Classification: Pathogenic for Kabuki syndrome. Last evaluated: 2022-09-23. Review status: criteria provided, single submitter. Criteria: Invitae Variant Classification Sherloc (09022015). Collection method: clinical testing. Allele origin: germline.
Comment: This variant is not present in population databases (gnomAD no frequency). This premature translational stop signal has been observed in individual(s) with Kabuki syndrome (PMID: 32441320). ClinVar contains an entry for this variant (Variation ID: 450365). For these reasons, this variant has been classified as Pathogenic. This sequence change creates a premature translational stop signal (p.Ser102Glufs*6) in the KMT2D gene. It is expected to result in an absent or disrupted protein product. Loss-of-function variants in KMT2D are known to be pathogenic (PMID: 22126750).

GeneDx
Classification: Pathogenic. Last evaluated: 2017-07-10. Review status: criteria provided, single submitter. Criteria: GeneDx Variant Classification (06012015). Collection method: clinical testing. Allele origin: germline. Affected: yes.
Comment: The c.303dupG variant in the KMT2D gene has not been reported previously as a pathogenic variant nor as a benign variant, to our knowledge. The c.303dupG variant causes a frameshift starting with codon Serine 102, changes this amino acid to a Glutamic acid residue, and creates a premature Stop codon at position 6 of the new reading frame, denoted p.Ser102GlufsX6. This variant is predicted to cause loss of normal protein function either through protein truncation or nonsense-mediated mRNA decay. The c.303dupG variant is not observed in large population cohorts (Lek et al., 2016; 1000 Genomes Consortium et al., 2015; Exome Variant Server). We interpret c.303dupG as a pathogenic variant.

Literature cited by the submitters: PubMed 32441320 (cited by Labcorp Genetics (formerly Invitae), Labcorp); PubMed 22126750 (cited by Labcorp Genetics (formerly Invitae), Labcorp).